The following is an entry in ClinVar:

ClinVar aggregate classification (germline): Uncertain significance (1 of 4 stars; one submission).

Submission:

Labcorp Genetics (formerly Invitae), Labcorp
Classification: Uncertain significance. Last evaluated: 2022-01-13. Review status: criteria provided, single submitter. Criteria: Invitae Variant Classification Sherloc (09022015). Collection method: clinical testing. Allele origin: germline.
Comment: In summary, the available evidence is currently insufficient to determine the role of this variant in disease. Therefore, it has been classified as a Variant of Uncertain Significance. This variant has not been reported in the literature in individuals affected with ZNF408-related conditions. This variant is not present in population databases (gnomAD no frequency). This sequence change creates a premature translational stop signal (p.Pro339Glyfs*32) in the ZNF408 gene. While this is not anticipated to result in nonsense mediated decay, it is expected to disrupt the last 382 amino acid(s) of the ZNF408 protein. Experimental studies and prediction algorithms are not available or were not evaluated, and the functional significance of this variant is currently unknown.

NM_024741.3(ZNF408):c.1010_1014dup (p.Pro339fs)

Gene: ZNF408 (zinc finger protein 408; plus strand). Cytogenetic location: 11p11.2.
Variant type: Duplication.
Coding change: c.1010_1014dup on transcript NM_024741.3 (MANE Select); coding-DNA positions 1010 to 1014, 5 bases duplicated (GGAGC; older notation c.1010_1014dupGGAGC).
Protein change: p.Pro339fs; shifts the reading frame from proline 339.
Molecular consequence: frameshift variant.
Genome position (GRCh38, 1-based): chr11:46,704,710-46,704,714, GGAGC duplicated; duplicating any 5 consecutive bases within chr11:46,704,708-46,704,714 gives the same sequence; the c. name uses the placement nearest the transcript's 3' end. VCF-style (leftmost placement, unchanged base first): chr11-46704707-C-CGCGGA. GRCh37 (hg19) VCF-style: chr11-46726257-C-CGCGGA.
Other names: c.986_990dup, p.Pro331fs (NM_001184751.2); short protein forms P331fs, P339fs.
Identifiers: ClinVar variation 2040800 (VCV002040800.4), dbSNP rs2502793814, ClinGen allele CA2580084139.